The following is an entry in ClinVar:

NM_007294.4(BRCA1):c.5131A>G (p.Lys1711Glu)

Gene: BRCA1 (BRCA1 DNA repair associated; minus strand). Cytogenetic location: 17q21.31.
Variant type: single nucleotide variant.
Coding change: c.5131A>G on transcript NM_007294.4 (MANE Select); coding-DNA position 5131, A replaced by G.
Protein change: p.Lys1711Glu; replaces lysine 1711 with glutamic acid.
Molecular consequence: missense variant. On other transcripts: non-coding transcript variant (1).
Genome position (GRCh38, 1-based): chr17:43,063,895, T>C on the plus strand (A>G on the coding strand, the complement: BRCA1 is on the minus strand). VCF-style: chr17-43063895-T-C. GRCh37 (hg19) VCF-style: chr17-41215912-T-C.
Other names: c.4918A>G, p.Lys1640Glu (NM_001407571.1, NM_001407899.1, NM_001407900.1 and 12 more transcripts); c.5197A>G, p.Lys1733Glu (NM_001407581.1, NM_001407582.1); c.5194A>G, p.Lys1732Glu (NM_001407583.1, NM_001407585.1, NM_001407587.1 and 1 more transcripts); c.5191A>G, p.Lys1731Glu (NM_001407590.1, NM_001407591.1); c.5131A>G, p.Lys1711Glu (NM_001407593.1, NM_001407594.1, NM_001407596.1 and 7 more transcripts); c.5128A>G, p.Lys1710Glu (NM_001407610.1, NM_001407611.1, NM_001407612.1 and 17 more transcripts); c.5125A>G, p.Lys1709Glu (NM_001407627.1, NM_001407628.1, NM_001407629.1 and 14 more transcripts); c.5119A>G, p.Lys1707Glu (NM_001407646.1); and 71 more; short protein forms K1664E, K1732E, K607E, K1711E, K1415E, K1582E, K1584E, K1599E.
Identifiers: ClinVar variation 864993 (VCV000864993.4), dbSNP rs886040272, ClinGen allele CA10591281.

ClinVar aggregate classification (germline): Likely pathogenic (1 of 4 stars; one submission).

Conditions:
Breast-ovarian cancer, familial, susceptibility to, 1 (BROVCA1). Also called: BRCA1 Hereditary Breast and Ovarian Cancer; OVARIAN CANCER, SUSCEPTIBILITY TO. Identifiers: Orphanet 145, MedGen C2676676, MONDO:0011450, OMIM 604370. Disease mechanism: loss of function.

Submissions (2):

Myriad Genetics, Inc.
Classification: Likely pathogenic for Breast-ovarian cancer, familial, susceptibility to, 1. Last evaluated: 2023-06-09. Review status: criteria provided, single submitter. Criteria: Myriad Autosomal Dominant, Autosomal Recessive and X-Linked Classification Criteria (2023). Collection method: clinical testing. Allele origin: unknown.
Comment: This variant is considered likely pathogenic. Functional studies indicate this variant impacts protein function [PMID: 30209399, 35196514].

Brotman Baty Institute, University of Washington
No classification provided (evidence only). Condition: Breast-ovarian cancer, familial 1. Review status: no classification provided. Collection method: in vitro. Allele origin: not applicable. Functional consequence: functionally_abnormal. Not counted in ClinVar's aggregate classification.
ClinVar note: "not provided" was previously submitted as the classification for the variant. However, the classification appeared to be based only on an observation of functional data so it was converted to no classification on 2025-07-30.

Literature cited by the submitters: PubMed 30209399 (cited by Myriad Genetics, Inc.); PubMed 35196514 (cited by Myriad Genetics, Inc.).